The following is an entry in ClinVar:

NM_000458.4(HNF1B):c.44C>T (p.Ala15Val)

Gene: HNF1B (HNF1 homeobox B; minus strand). Cytogenetic location: 17q12.
Variant type: single nucleotide variant.
Coding change: c.44C>T on transcript NM_000458.4 (MANE Select); coding-DNA position 44, C replaced by T.
Protein change: p.Ala15Val; replaces alanine 15 with valine.
Molecular consequence: missense variant.
Genome position (GRCh38, 1-based): chr17:37,744,841, G>A on the plus strand (C>T on the coding strand, the complement: HNF1B is on the minus strand). VCF-style: chr17-37744841-G-A. GRCh37 (hg19) VCF-style: chr17-36104832-G-A.
Other names: c.44C>T, p.Ala15Val (NM_001165923.4, NM_001304286.2, NM_001411100.1); short protein forms A15V.
Identifiers: ClinVar variation 2715424 (VCV002715424.4), dbSNP rs2511853437, ClinGen allele CA398754997.

ClinVar aggregate classification (germline): Uncertain significance. Review status: criteria provided, multiple submitters, no conflicts (2 of 4 stars). 2 submissions from 2 submitters: Uncertain significance (2). Last evaluated 2025-02-05.

Submissions (2):

Women's Health and Genetics/Laboratory Corporation of America, LabCorp
Classification: Uncertain significance. Last evaluated: 2025-02-05. Review status: criteria provided, single submitter. Criteria: LabCorp Variant Classification Summary - May 2015. Collection method: clinical testing. Allele origin: germline.
Comment: Variant summary: HNF1B c.44C>T (p.Ala15Val) results in a non-conservative amino acid change located in the HNF-1 dimerization (HNF-p1) domain of the encoded protein sequence. Five of five in-silico tools predict a damaging effect of the variant on protein function. The variant was absent in 250232 control chromosomes. The available data on variant occurrences in the general population are insufficient to allow any conclusion about variant significance. To our knowledge, no occurrence of c.44C>T in individuals affected with Maturity Onset Diabetes Of The Young 5 (Renal Cysts And Diabetes Syndrome) and no experimental evidence demonstrating its impact on protein function have been reported. ClinVar contains an entry for this variant (Variation ID: 2715424). Based on the evidence outlined above, the variant was classified as uncertain significance.

Labcorp Genetics (formerly Invitae), Labcorp
Classification: Uncertain significance. Last evaluated: 2023-01-06. Review status: criteria provided, single submitter. Criteria: Invitae Variant Classification Sherloc (09022015). Collection method: clinical testing. Allele origin: germline.
Comment: This sequence change replaces alanine, which is neutral and non-polar, with valine, which is neutral and non-polar, at codon 15 of the HNF1B protein (p.Ala15Val). This variant is not present in population databases (gnomAD no frequency). This variant has not been reported in the literature in individuals affected with HNF1B-related conditions. Advanced modeling of protein sequence and biophysical properties (such as structural, functional, and spatial information, amino acid conservation, physicochemical variation, residue mobility, and thermodynamic stability) performed at Invitae indicates that this missense variant is not expected to disrupt HNF1B protein function. In summary, the available evidence is currently insufficient to determine the role of this variant in disease. Therefore, it has been classified as a Variant of Uncertain Significance.